The following is an entry in ClinVar:

ClinVar aggregate classification (germline): Likely benign (1 of 4 stars; one submission).

Conditions:
MARS1-related disorder. Also called: MARS1-related condition.

gnomAD v4.1: 41 of 1,612,790 alleles (0.0025%); highest among the groups gnomAD compares: Non-Finnish European, 0.0032%; no homozygotes.

Submission:

PreventionGenetics, part of Exact Sciences
Classification: Likely benign for MARS1-related condition. Last evaluated: 2026-04-23. Review status: criteria provided, single submitter. Criteria: ACMG Guidelines, 2015. Collection method: clinical testing. Allele origin: germline.
Comment: This variant is classified as likely benign based on ACMG/AMP sequence variant interpretation guidelines (Richards et al. 2015 PMID: 25741868, with internal and published modifications).

NM_004990.4(MARS1):c.-10T>C

Genes: ARHGAP9 (Rho GTPase activating protein 9; minus strand), MARS1 (methionyl-tRNA synthetase 1; plus strand). Cytogenetic location: 12q13.3.
Variant type: single nucleotide variant.
Coding change: c.-10T>C on transcript NM_004990.4 (MANE Select); 10 bases upstream of the start codon, T replaced by C.
Molecular consequence: 5 prime UTR variant. On other transcripts: intron variant (1).
Genome position (GRCh38, 1-based): chr12:57,488,081, T>C. VCF-style: chr12-57488081-T-C. GRCh37 (hg19) VCF-style: chr12-57881864-T-C.
Other names: c.-204+531A>G (NM_001319850.2).
Identifiers: ClinVar variation 4989080 (VCV004989080.1).